The following is an entry in ClinVar:

NM_001365480.1(CCDC88A):c.5219C>G (p.Pro1740Arg)

Gene: CCDC88A (coiled-coil domain containing 88A; minus strand). Cytogenetic location: 2p16.1.
Variant type: single nucleotide variant.
Coding change: c.5219C>G on transcript NM_001365480.1 (MANE Select); coding-DNA position 5219, C replaced by G.
Protein change: p.Pro1740Arg; replaces proline 1740 with arginine.
Molecular consequence: missense variant. On other transcripts: intron variant (1).
Genome position (GRCh38, 1-based): chr2:55,295,929, G>C on the plus strand (C>G on the coding strand, the complement: CCDC88A is on the minus strand). VCF-style: chr2-55295929-G-C. GRCh37 (hg19) VCF-style: chr2-55523065-G-C.
Other names: c.5216C>G, p.Pro1739Arg (NM_001135597.2); c.5135C>G, p.Pro1712Arg (NM_018084.5); c.5195+21C>G (NM_001254943.2); short protein forms P1739R, P1740R, P1712R.
Identifiers: ClinVar variation 1415465 (VCV001415465.3), dbSNP rs146278824, ClinGen allele CA1665366.
Genomic context (GRCh38, chr2:55,295,929, plus strand): 5'-TTTCGAGGACCAGGTCTCAAAAACTCAGGCTTAGTTGTCCGTCTATCATAGAAGTCCCCT[G>C]GGGTTTTTCCACTTACTGACCTGGCCAGACCACAGCTAACTGGTTTGTCTTTTCCCAAAA-3'
Protein context (NP_001352409.1, residues 1730-1750): GLARSVSGKT[Pro1740Arg]GDFYDRRTTK

ClinVar aggregate classification (germline): Uncertain significance (1 of 4 stars; one submission).

Allele frequency attached by ClinVar (database versions not stated): gnomAD 0.00001; 1000 Genomes Project 30x 0.00047; 1000 Genomes Project 0.00060.
gnomAD v4.1: 13 of 1,614,064 alleles (0.00081%); highest among the groups gnomAD compares: African/African-American, 0.008%; no homozygotes.

Submission:

Labcorp Genetics (formerly Invitae), Labcorp
Classification: Uncertain significance. Last evaluated: 2022-08-16. Review status: criteria provided, single submitter. Criteria: Invitae Variant Classification Sherloc (09022015). Collection method: clinical testing. Allele origin: germline.
Comment: This sequence change replaces proline, which is neutral and non-polar, with arginine, which is basic and polar, at codon 1739 of the CCDC88A protein (p.Pro1739Arg). This variant is present in population databases (rs146278824, gnomAD 0.02%). This variant has not been reported in the literature in individuals affected with CCDC88A-related conditions. ClinVar contains an entry for this variant (Variation ID: 1415465). Algorithms developed to predict the effect of missense changes on protein structure and function are either unavailable or do not agree on the potential impact of this missense change (SIFT: "Deleterious"; PolyPhen-2: "Benign"; Align-GVGD: "Class C0"). In summary, the available evidence is currently insufficient to determine the role of this variant in disease. Therefore, it has been classified as a Variant of Uncertain Significance.